The following is an entry in ClinVar:

NM_004006.3(DMD):c.7660+1G>C

Gene: DMD (dystrophin; minus strand). Cytogenetic location: Xp21.1.
Variant type: single nucleotide variant.
Coding change: c.7660+1G>C on transcript NM_004006.3 (MANE Select); the canonical splice donor site of the intron after coding-DNA position 7660, G replaced by C.
Molecular consequence: splice donor variant.
Genome position (GRCh38, 1-based): chrX:31,729,630, C>G on the plus strand (G>C on the coding strand, the complement: DMD is on the minus strand). VCF-style: chrX-31729630-C-G. GRCh37 (hg19) VCF-style: chrX-31747747-C-G.
Other names: c.7636+1G>C (NM_000109.4); c.3637+1G>C (NM_004011.4); c.3628+1G>C (NM_004012.4); c.280+1G>C (NM_004023.3, NM_004020.4, NM_004022.3 and 2 more transcripts); c.7648+1G>C (NM_004009.3); c.7291+1G>C (NM_004010.3).
Identifiers: ClinVar variation 547070 (VCV000547070.54), dbSNP rs1556852444, ClinGen allele CA412657470.

ClinVar aggregate classification (germline): Pathogenic/Likely pathogenic. Review status: criteria provided, multiple submitters, no conflicts (2 of 4 stars). 3 submissions from 3 submitters: Pathogenic (2); Likely pathogenic (1). Last evaluated 2023-12-22.

Conditions:
Duchenne muscular dystrophy (DMD). Also called: MUSCULAR DYSTROPHY, PSEUDOHYPERTROPHIC PROGRESSIVE, DUCHENNE TYPE; Duchenne Muscular Dystrophy (DMD). Identifiers: Orphanet 98896, MedGen C0013264, MONDO:0010679, OMIM 310200.
Becker muscular dystrophy (BMD). Also called: MUSCULAR DYSTROPHY, PSEUDOHYPERTROPHIC PROGRESSIVE, BECKER TYPE; Becker Muscular Dystrophy (BMD). Identifiers: Orphanet 98895, MedGen C0917713, MONDO:0010311, OMIM 300376.

Submissions (3):

Labcorp Genetics (formerly Invitae), Labcorp
Classification: Pathogenic for Duchenne muscular dystrophy. Last evaluated: 2023-12-22. Review status: criteria provided, single submitter. Criteria: Invitae Variant Classification Sherloc (09022015). Collection method: clinical testing. Allele origin: germline.
Comment: This sequence change affects a donor splice site in intron 52 of the DMD gene. It is expected to disrupt RNA splicing. Variants that disrupt the donor or acceptor splice site typically lead to a loss of protein function (PMID: 16199547), and loss-of-function variants in DMD are known to be pathogenic (PMID: 16770791, 25007885). This variant is not present in population databases (gnomAD no frequency). Disruption of this splice site has been observed in individuals with clinical features consistent with Duchenne muscular dystrophy (PMID: 19937601, 31404137, 33420945). ClinVar contains an entry for this variant (Variation ID: 547070). Algorithms developed to predict the effect of sequence changes on RNA splicing suggest that this variant may disrupt the consensus splice site. For these reasons, this variant has been classified as Pathogenic.

Mendelics
Classification: Pathogenic for Becker muscular dystrophy. Last evaluated: 2022-05-04. Review status: criteria provided, single submitter. Criteria: Mendelics Assertion Criteria 2019. Collection method: clinical testing. Allele origin: germline.

CeGaT Center for Human Genetics Tuebingen
Classification: Likely pathogenic. Last evaluated: 2017-11-01. Review status: criteria provided, single submitter. Criteria: CeGaT Center For Human Genetics Tuebingen Variant Classification Criteria Version 2. Collection method: clinical testing. Allele origin: germline. Affected: yes. Observed: 1 variant allele.

Literature cited by the submitters: PubMed 16199547 (cited by Labcorp Genetics (formerly Invitae), Labcorp); PubMed 16770791 (cited by Labcorp Genetics (formerly Invitae), Labcorp); PubMed 25007885 (cited by Labcorp Genetics (formerly Invitae), Labcorp); PubMed 19937601 (cited by Labcorp Genetics (formerly Invitae), Labcorp); PubMed 31404137 (cited by Labcorp Genetics (formerly Invitae), Labcorp); PubMed 33420945 (cited by Labcorp Genetics (formerly Invitae), Labcorp).